The following is an entry in ClinVar:

NM_030957.4(ADAMTS10):c.1904G>T (p.Gly635Val)

Gene: ADAMTS10 (ADAM metallopeptidase with thrombospondin type 1 motif 10; minus strand). Cytogenetic location: 19p13.2.
Variant type: single nucleotide variant.
Coding change: c.1904G>T on transcript NM_030957.4 (MANE Select); coding-DNA position 1904, G replaced by T.
Protein change: p.Gly635Val; replaces glycine 635 with valine.
Molecular consequence: missense variant. On other transcripts: intron variant (1).
Genome position (GRCh38, 1-based): chr19:8,589,582, C>A on the plus strand (G>T on the coding strand, the complement: ADAMTS10 is on the minus strand). VCF-style: chr19-8589582-C-A. GRCh37 (hg19) VCF-style: chr19-8654466-C-A.
Other names: c.373-8G>T (NM_001282352.2); short protein forms G635V.
Identifiers: ClinVar variation 2994359 (VCV002994359.3), dbSNP rs1555738361, ClinGen allele CA403750975.

ClinVar aggregate classification (germline): Uncertain significance (1 of 4 stars; one submission).

gnomAD v4.1: 1 of 1,613,356 alleles (0.000062%); highest among the groups gnomAD compares: Non-Finnish European, 0.000085%; no homozygotes.

Submission:

Labcorp Genetics (formerly Invitae), Labcorp
Classification: Uncertain significance. Last evaluated: 2023-07-14. Review status: criteria provided, single submitter. Criteria: Invitae Variant Classification Sherloc (09022015). Collection method: clinical testing. Allele origin: germline.
Comment: In summary, the available evidence is currently insufficient to determine the role of this variant in disease. Therefore, it has been classified as a Variant of Uncertain Significance. An algorithm developed to predict the effect of missense changes on protein structure and function (PolyPhen-2) suggests that this variant is likely to be disruptive. This variant has not been reported in the literature in individuals affected with ADAMTS10-related conditions. This variant is not present in population databases (gnomAD no frequency). This sequence change replaces glycine, which is neutral and non-polar, with valine, which is neutral and non-polar, at codon 635 of the ADAMTS10 protein (p.Gly635Val).